The following is an entry in ClinVar:

ClinVar aggregate classification (germline): Conflicting classifications of pathogenicity. Review status: criteria provided, conflicting classifications (1 of 4 stars). 3 submissions from 3 submitters: Pathogenic (1); Uncertain significance (2). Last evaluated 2025-03-20.

Conditions:
Bethlem myopathy 1A. Also called: Bethlem Muscular Dystrophy; Bethlem myopathy 1; MYOPATHY, BENIGN CONGENITAL, WITH CONTRACTURES. Identifiers: Orphanet 610, MedGen CN029274, MONDO:0024530, OMIM 158810.

Allele frequency attached by ClinVar (database versions not stated): TOPMed below 0.00001; gnomAD exomes 0.00002; ExAC 0.00003.
gnomAD v4.1: 21 of 1,613,026 alleles (0.0013%); highest among the groups gnomAD compares: South Asian, 0.011%; no homozygotes.

Submissions (3):

GeneDx
Classification: Uncertain significance. Last evaluated: 2025-03-20. Review status: criteria provided, single submitter. Criteria: GeneDx Variant Classification Process June 2021. Collection method: clinical testing. Allele origin: germline. Affected: yes.
Comment: Has not been previously published as pathogenic or benign to our knowledge; In silico analysis suggests this variant may impact gene splicing. In the absence of RNA/functional studies, the actual effect of this sequence change is unknown.

Revvity Omics, Revvity
Classification: Uncertain significance. Last evaluated: 2025-02-11. Review status: criteria provided, single submitter. Criteria: ACMG Guidelines, 2015. Collection method: clinical testing. Allele origin: germline.

Labcorp Genetics (formerly Invitae), Labcorp
Classification: Pathogenic for Bethlem myopathy 1A. Last evaluated: 2021-08-18. Review status: criteria provided, single submitter. Criteria: Invitae Variant Classification Sherloc (09022015). Collection method: clinical testing. Allele origin: germline.
Comment: For these reasons, this variant has been classified as Pathogenic. Nucleotide substitutions within the consensus splice site are a relatively common cause of aberrant splicing (PMID: 17576681, 9536098). Algorithms developed to predict the effect of sequence changes on RNA splicing suggest that this variant may disrupt the consensus splice site, but this prediction has not been confirmed by published transcriptional studies. This variant has been observed in individual(s) with clinical features of type VI collagenopathy (Invitae). In at least one individual the variant was observed to be de novo. This variant is present in population databases (rs750755566, ExAC 0.006%). This sequence change falls in intron 9 of the COL6A2 gene. It does not directly change the encoded amino acid sequence of the COL6A2 protein, but it affects a nucleotide within the consensus splice site of the intron.

Literature cited by the submitters: PubMed 17576681 (cited by Labcorp Genetics (formerly Invitae), Labcorp); PubMed 9536098 (cited by Labcorp Genetics (formerly Invitae), Labcorp).

NM_001849.4(COL6A2):c.954+5G>C

Gene: COL6A2 (collagen type VI alpha 2 chain; plus strand). Cytogenetic location: 21q22.3.
Variant type: single nucleotide variant.
Coding change: c.954+5G>C on transcript NM_001849.4 (MANE Select); 5 bases into the intron after coding-DNA position 954, G replaced by C.
Molecular consequence: intron variant.
Genome position (GRCh38, 1-based): chr21:46,116,682, G>C. VCF-style: chr21-46116682-G-C. GRCh37 (hg19) VCF-style: chr21-47536596-G-C.
Other names: c.954+5G>C (NM_058175.3, NM_058174.3).
Identifiers: ClinVar variation 963659 (VCV000963659.13), dbSNP rs750755566, ClinGen allele CA10071568.